The following is an entry in ClinVar:

NM_000037.4(ANK1):c.3965G>A (p.Arg1322His)

Gene: ANK1 (ankyrin 1; minus strand). Cytogenetic location: 8p11.21.
Variant type: single nucleotide variant.
Coding change: c.3965G>A on transcript NM_000037.4 (MANE Select); coding-DNA position 3965, G replaced by A.
Protein change: p.Arg1322His; replaces arginine 1322 with histidine.
Molecular consequence: missense variant.
Genome position (GRCh38, 1-based): chr8:41,690,493, C>T on the plus strand (G>A on the coding strand, the complement: ANK1 is on the minus strand). VCF-style: chr8-41690493-C-T. GRCh37 (hg19) VCF-style: chr8-41548011-C-T.
Other names: c.4088G>A, p.Arg1363His (NM_001142446.2); c.3965G>A, p.Arg1322His (NM_020475.3, NM_020476.3, NM_020477.3); short protein forms R1322H, R1363H.
Identifiers: ClinVar variation 5019343 (VCV005019343.2).
Genomic context (GRCh38, chr8:41,690,493, plus strand): 5'-TTCTAGACCCAGAGGAGAACTCAGCCAGAGGGTGCCGGCACCTTTACAGGCATGGCCAGA[C>T]GGTTCTCCCGAAATGACTGGAAGTGGAAGCTCCGCTGCTGGGCAGCTTTCTTCACAGGCA-3'
Protein context (NP_000028.3, residues 1312-1332): SFHFQSFREN[Arg1322His]LAMPVKVRDS

ClinVar aggregate classification (germline): Uncertain significance (1 of 4 stars; one submission).

Conditions:
Hereditary spherocytosis type 1. Also called: Spherocytosis type 1; ANK1-Related Spherocytosis. Identifiers: Orphanet 822, MedGen C2674218, MONDO:0008447, OMIM 182900.

gnomAD v4.1: 14 of 1,614,200 alleles (0.00087%); highest among the groups gnomAD compares: African/African-American, 0.0053%; no homozygotes.

Submission:

Juno Genomics, Hangzhou Juno Genomics, Inc
Classification: Uncertain significance for Hereditary spherocytosis type 1. Review status: criteria provided, single submitter. Criteria: ACMG Guidelines, 2015. Collection method: clinical testing. Allele origin: germline.
Comment: Absent from controls (or at extremely low frequency if recessive) in Genome Aggregation Database.;Missense variant in a gene that has a low rate of benign missense variation.;Multiple lines of computational evidence suggest no impact on gene or gene product.